The following is an entry in ClinVar:

ClinVar aggregate classification (germline): Uncertain significance. Review status: criteria provided, multiple submitters, no conflicts (2 of 4 stars). 2 submissions from 2 submitters: Uncertain significance (2). Last evaluated 2024-02-28.

Submissions (2):

GeneDx
Classification: Uncertain significance. Last evaluated: 2024-02-28. Review status: criteria provided, single submitter. Criteria: GeneDx Variant Classification Process June 2021. Collection method: clinical testing. Allele origin: germline. Affected: yes.
Comment: Not observed at significant frequency in large population cohorts (gnomAD); In silico analysis supports that this missense variant does not alter protein structure/function; Has not been previously published as pathogenic or benign to our knowledge

Labcorp Genetics (formerly Invitae), Labcorp
Classification: Uncertain significance. Last evaluated: 2023-12-21. Review status: criteria provided, single submitter. Criteria: Invitae Variant Classification Sherloc (09022015). Collection method: clinical testing. Allele origin: germline.
Comment: This sequence change replaces valine, which is neutral and non-polar, with isoleucine, which is neutral and non-polar, at codon 1277 of the IGF1R protein (p.Val1277Ile). This variant is not present in population databases (gnomAD no frequency). This variant has not been reported in the literature in individuals affected with IGF1R-related conditions. Advanced modeling of protein sequence and biophysical properties (such as structural, functional, and spatial information, amino acid conservation, physicochemical variation, residue mobility, and thermodynamic stability) performed at Invitae indicates that this missense variant is not expected to disrupt IGF1R protein function with a negative predictive value of 80%. In summary, the available evidence is currently insufficient to determine the role of this variant in disease. Therefore, it has been classified as a Variant of Uncertain Significance.

NM_000875.5(IGF1R):c.3829G>A (p.Val1277Ile)

Gene: IGF1R (insulin like growth factor 1 receptor; plus strand). Cytogenetic location: 15q26.3.
Variant type: single nucleotide variant.
Coding change: c.3829G>A on transcript NM_000875.5 (MANE Select); coding-DNA position 3829, G replaced by A.
Protein change: p.Val1277Ile; replaces valine 1277 with isoleucine.
Molecular consequence: missense variant.
Genome position (GRCh38, 1-based): chr15:98,957,167, G>A. VCF-style: chr15-98957167-G-A. GRCh37 (hg19) VCF-style: chr15-99500396-G-A.
Other names: c.3826G>A, p.Val1276Ile (NM_001291858.2); c.3829G>A (NM_000875.3); short protein forms V1276I, V1277I.
Identifiers: ClinVar variation 2704760 (VCV002704760.4), dbSNP rs2017025389, ClinGen allele CA393668448.